The following is an entry in ClinVar:

ClinVar aggregate classification (germline): Uncertain significance (1 of 4 stars; one submission).

Allele frequency attached by ClinVar (database versions not stated): gnomAD 0.00001; gnomAD exomes 0.00002; TOPMed 0.00002; ExAC 0.00006; 1000 Genomes Project 30x 0.00016; 1000 Genomes Project 0.00020.
gnomAD v4.1: 31 of 1,596,750 alleles (0.0019%); highest among the groups gnomAD compares: East Asian, 0.056%; no homozygotes.

Submission:

Labcorp Genetics (formerly Invitae), Labcorp
Classification: Uncertain significance. Last evaluated: 2022-05-17. Review status: criteria provided, single submitter. Criteria: Invitae Variant Classification Sherloc (09022015). Collection method: clinical testing. Allele origin: germline.
Comment: In summary, the available evidence is currently insufficient to determine the role of this variant in disease. Therefore, it has been classified as a Variant of Uncertain Significance. Algorithms developed to predict the effect of missense changes on protein structure and function are either unavailable or do not agree on the potential impact of this missense change (SIFT: "Deleterious"; PolyPhen-2: "Benign"; Align-GVGD: "Class C0"). This variant has not been reported in the literature in individuals affected with KANK1-related conditions. This variant is present in population databases (rs114209322, gnomAD 0.04%). This sequence change replaces threonine, which is neutral and polar, with isoleucine, which is neutral and non-polar, at codon 968 of the KANK1 protein (p.Thr968Ile).

NM_015158.5(KANK1):c.2903C>T (p.Thr968Ile)

Gene: KANK1 (KN motif and ankyrin repeat domains 1; plus strand). Cytogenetic location: 9p24.3.
Variant type: single nucleotide variant.
Coding change: c.2903C>T on transcript NM_015158.5 (MANE Select); coding-DNA position 2903, C replaced by T.
Protein change: p.Thr968Ile; replaces threonine 968 with isoleucine.
Molecular consequence: missense variant. On other transcripts: non-coding transcript variant (1).
Genome position (GRCh38, 1-based): chr9:731,164, C>T. VCF-style: chr9-731164-C-T. GRCh37 (hg19) VCF-style: chr9-731164-C-T.
Other names: c.2903C>T, p.Thr968Ile (NM_001256876.3, NM_001256877.3, NM_001354331.2 and 1 more transcripts); c.2849C>T, p.Thr950Ile (NM_001354332.2); c.2429C>T, p.Thr810Ile (NM_001354333.2, NM_001354335.2, NM_001354337.2 and 5 more transcripts); c.2375C>T, p.Thr792Ile (NM_001354336.2, NM_001354338.2, NM_001354340.2 and 1 more transcripts); short protein forms T810I, T968I, T950I, T792I.
Identifiers: ClinVar variation 2162630 (VCV002162630.4), dbSNP rs114209322, ClinGen allele CA4960690.